The following is an entry in ClinVar:

ClinVar aggregate classification (germline): Pathogenic (1 of 4 stars; one submission).

Submission:

ISCA Site 6
Classification: Pathogenic. Last evaluated: 2011-08-12. Review status: criteria provided, single submitter. Criteria: Kaminsky et al. (Genet Med. 2011). Collection method: clinical testing. Allele origin: unknown. Affected: yes. Observed: 1 variant allele.
Comment: Copy number variation identified through the course of routine clinical cytogenomic testing in postnatal populations. Clinical assertions have been curated as described in Kaminsky et al. 2011.

GRCh37/hg19 Yp11.3-q12(chrY:2651665-59031480)x2

Genes: AMELY (amelogenin Y-linked; minus strand), BPY2 (basic charge Y-linked 2; plus strand), BPY2B (basic charge Y-linked 2B; plus strand), BPY2C (basic charge Y-linked 2C; minus strand), CDY1 (chromodomain Y-linked 1; plus strand) and 78 more. Cytogenetic location: Yp11.3-q12.
Variant type: copy number gain.
Change: copy number 2 of chrY:2,651,665-59,031,480 (56.38 Mb, GRCh37 coordinates, 1-based), cytogenetic band Yp11.3-q12.
Identifiers: ClinVar variation 58796 (VCV000058796.2).